The following is an entry in ClinVar:

ClinVar aggregate classification (germline): Benign. Review status: criteria provided, multiple submitters, no conflicts (2 of 4 stars). 3 submissions from 3 submitters: Benign (3). Last evaluated 2018-07-27.

Conditions:
PMM2-congenital disorder of glycosylation. Also called: CDG Ia; JAEKEN SYNDROME; PHOSPHOMANNOMUTASE 2 DEFICIENCY; Congenital disorder of glycosylation, type Ia; CARBOHYDRATE-DEFICIENT GLYCOPROTEIN SYNDROME, TYPE Ia; PMM2-CDG. Identifiers: Orphanet 79318, MedGen C0349653, MONDO:0008907, OMIM 212065.

Allele frequency attached by ClinVar (database versions not stated): 1000 Genomes Project 30x 0.38929; 1000 Genomes Project 0.39617; gnomAD 0.41543 and 0.41678.
gnomAD v4.1: 226,092 of 509,568 alleles (44%); highest among the groups gnomAD compares: Non-Finnish European, 47%; 51,315 homozygotes.

Submissions (3):

GeneDx
Classification: Benign. Last evaluated: 2018-07-27. Review status: criteria provided, single submitter. Criteria: GeneDx Variant Classification Process June 2021. Collection method: clinical testing. Allele origin: germline. Affected: yes.

Illumina Laboratory Services, Illumina
Classification: Benign for PMM2-congenital disorder of glycosylation. Last evaluated: 2018-01-12. Review status: criteria provided, single submitter. Criteria: ICSL Variant Classification Criteria 13 December 2019. Collection method: clinical testing. Allele origin: germline.
Comment: This variant was observed in the ICSL laboratory as part of a predisposition screen in an ostensibly healthy population. It had not been previously curated by ICSL or reported in the Human Gene Mutation Database (HGMD: prior to June 1st, 2018), and was therefore a candidate for classification through an automated scoring system. Utilizing variant allele frequency, disease prevalence and penetrance estimates, and inheritance mode, an automated score was calculated to assess if this variant is too frequent to cause the disease. Based on the score and internal cut-off values, a variant classified as benign is not then subjected to further curation. The score for this variant resulted in a classification of benign for this disease.

Breakthrough Genomics
Classification: Benign. Review status: criteria provided, single submitter. Criteria: ACMG Guidelines, 2015. Collection method: not provided. Allele origin: germline. Inheritance: Autosomal recessive inheritance. Affected: yes.

NM_000303.3(PMM2):c.*252C>A

Gene: PMM2 (phosphomannomutase 2; plus strand). Cytogenetic location: 16p13.2.
Variant type: single nucleotide variant.
Coding change: c.*252C>A on transcript NM_000303.3 (MANE Select); 252 bases downstream of the stop codon, C replaced by A.
Molecular consequence: 3 prime UTR variant.
Genome position (GRCh38, 1-based): chr16:8,848,077, C>A. VCF-style: chr16-8848077-C-A. GRCh37 (hg19) VCF-style: chr16-8941934-C-A.
Identifiers: ClinVar variation 321232 (VCV000321232.7), dbSNP rs2075828, ClinGen allele CA10638642.
Genomic context (GRCh38, chr16:8,848,077, plus strand): 5'-GTCAAGAATGGCCCAGAGGAATGCCTCGCACAAAAGGTCTTCCCCACCCACCCCCAGCCC[C>A]CTAGTCTAATACCCACCCTGATACGTGCAATCATGTAGTTTTGGCGGAAATTTCCCCATC-3'